The following is an entry in ClinVar:

NC_000017.11:g.58219476C>A

Gene: MKS1 (MKS transition zone complex subunit 1; minus strand). Cytogenetic location: 17q22.
Variant type: single nucleotide variant.
Genome position: GRCh38 VCF-style: chr17-58219476-C-A. GRCh37 (hg19) VCF-style: chr17-56296837-C-A.
Other names: NM_001165927.1:c.36G>T.
Identifiers: ClinVar variation 4936154 (VCV004936154.2).
Genomic context (GRCh38, chr17:58,219,476, plus strand): 5'-GGGGTCCTACCGATCACCGCTTACCATGTATGCGATAAAAGCTCACCGAAAGCGGGACCT[C>A]GTGCGCTGTGCAAATGAGGAAACTGGCACAGCCATCAGCCCACTTCATATAGACAGATAG-3'

ClinVar aggregate classification (germline): Likely benign. Review status: criteria provided, multiple submitters, no conflicts (2 of 4 stars). 2 submissions from 2 submitters: Likely benign (2). Last evaluated 2025-05-01.

Conditions:
MKS1-related disorder. Also called: MKS1-related condition; MKS1-related disorders. Identifiers: MedGen CN239382.

Submissions (2):

PreventionGenetics, part of Exact Sciences
Classification: Likely benign for MKS1-related condition. Last evaluated: 2025-05-01. Review status: criteria provided, single submitter. Criteria: ACMG Guidelines, 2015. Collection method: clinical testing. Allele origin: germline.
Comment: This variant is classified as likely benign based on ACMG/AMP sequence variant interpretation guidelines (Richards et al. 2015 PMID: 25741868, with internal and published modifications).

Blueprint Genetics
Classification: Likely benign. Last evaluated: 2024-02-01. Review status: criteria provided, single submitter. Criteria: ACMG Guidelines, 2015. Collection method: clinical testing. Allele origin: germline.